The following is an entry in ClinVar:

ClinVar aggregate classification (germline): Likely benign. Review status: criteria provided, multiple submitters, no conflicts (2 of 4 stars). 2 submissions from 2 submitters: Likely benign (2). Last evaluated 2026-06-01.

Allele frequency attached by ClinVar (database versions not stated): gnomAD 0.00001; TOPMed 0.00001; gnomAD exomes 0.00002.
gnomAD v4.1: 32 of 1,613,876 alleles (0.002%); highest among the groups gnomAD compares: East Asian, 0.018%; no homozygotes.

Submissions (2):

CeGaT Center for Human Genetics Tuebingen
Classification: Likely benign. Last evaluated: 2026-06-01. Review status: criteria provided, single submitter. Criteria: CeGaT Center For Human Genetics Tuebingen Variant Classification Criteria Version 2. Collection method: clinical testing. Allele origin: germline. Affected: yes. Observed: 1 variant allele.
Comment: CYFIP2: BP4, BP7

Labcorp Genetics (formerly Invitae), Labcorp
Classification: Likely benign. Last evaluated: 2024-04-10. Review status: criteria provided, single submitter. Criteria: Invitae Variant Classification Sherloc (09022015). Collection method: clinical testing. Allele origin: germline.

NM_001037333.3(CYFIP2):c.3057C>T (p.Cys1019=)

Genes: CYFIP2 (cytoplasmic FMR1 interacting protein 2; plus strand), NIPAL4-DT (NIPAL4 divergent transcript; minus strand). Cytogenetic location: 5q33.3.
Variant type: single nucleotide variant.
Coding change: c.3057C>T on transcript NM_001037333.3 (MANE Select); coding-DNA position 3057, C replaced by T.
Protein change: p.Cys1019=; no amino-acid change (cysteine 1019 retained).
Molecular consequence: synonymous variant.
Genome position (GRCh38, 1-based): chr5:157,382,607, C>T. VCF-style: chr5-157382607-C-T. GRCh37 (hg19) VCF-style: chr5-156809615-C-T.
Other names: c.2979C>T, p.Cys993= (NM_001291721.2); c.3132C>T, p.Cys1044= (NM_001291722.2); c.3057C>T, p.Cys1019= (NM_014376.4).
Identifiers: ClinVar variation 1629193 (VCV001629193.10), dbSNP rs1001146014, ClinGen allele CA130176995.